The following is an entry in ClinVar:

ClinVar aggregate classification (germline): Likely pathogenic (1 of 4 stars; one submission).

Conditions:
Familial cancer of breast. Also called: BREAST CANCER, FAMILIAL; Hereditary breast cancer; hereditary breast carcinoma. Identifiers: Orphanet 227535, MedGen C0346153, MONDO:0016419, OMIM 114480. Disease mechanism: loss of function.

Submission:

KCCC/NGS Laboratory, Kuwait Cancer Control Center
Classification: Likely pathogenic for Familial cancer of breast. Last evaluated: 2023-06-06. Review status: criteria provided, single submitter. Criteria: ACMG Guidelines, 2015. Collection method: clinical testing. Allele origin: germline. Affected: yes.
Comment: A likely pathogenic mutation in the ATM gene (c.8585-3_8585-1delCAGinsT). This sequence change affects an acceptor splice site in intron 58 of the ATM gene. It is expected to disrupt RNA splicing and likely results in an absent or disrupted protein product. This variant is not present in gnomAD genomes. This variant has not been reported in the literature. However, a variant that affects the same splice site has been reported in the literature in an individual affected with ataxia-telangiectasia (PMID: 23322442). This variant has no ClinVar entry. Algorithms developed to predict the effect of sequence changes on RNA splicing suggest that this variant may disrupt the consensus splice site. Donor and acceptor splice site variants typically lead to a loss of protein function (PMID: 16199547), and lossof- function variants in ATM are known to be pathogenic (PMID: 23807571, 25614872). Therefore, this variant has been classified as Likely Pathogenic. Heterozygous pathogenic/likely pathogenic mutations in the ATM gene cause susceptibility to breast cancer (OMIM# 114480). Homozygous or compound heterozygous pathogenic/likely pathogenic mutations in the ATM gene cause ataxia-telangiectasia (OMIM# 208900).

NM_000051.4(ATM):c.8585-3_8585-1delinsT

Genes: ATM (ATM serine/threonine kinase; plus strand), C11orf65 (chromosome 11 open reading frame 65; minus strand). Cytogenetic location: 11q22.3.
Variant type: Indel.
Coding change: c.8585-3_8585-1delinsT on transcript NM_000051.4 (MANE Select); 3 bases into the intron before coding-DNA position 8585 through the canonical splice acceptor site of the intron before coding-DNA position 8585, CAG replaced by T.
Molecular consequence: splice acceptor variant. On other transcripts: intron variant (2).
Genome position (GRCh38, 1-based): chr11:108,347,276-108,347,278, CAG replaced by T. VCF-style: chr11-108347276-CAG-T. GRCh37 (hg19) VCF-style: chr11-108218003-CAG-T.
Other names: c.8585-3_8585-1delinsT (NM_001351834.2); c.641-38207_641-38205delinsA (NM_001330368.2); c.695-11986_695-11984delinsA (NM_001351110.2).
Identifiers: ClinVar variation 2506972 (VCV002506972.2), dbSNP rs2547460261, ClinGen allele CA2580615048.
Genomic context (GRCh38, chr11:108,347,276, plus strand): 5'-TGGCTATATATTAGAAAGAGATGGAATCAGTGATTTCAGATTGTTTGTTTCTTTTTTCTC[CAG>T]TTGGTTACATACTTGGACTTGGTGATAGACATGTACAGAATATCTTGATAAATGAGCAGT-3'